The following is an entry in ClinVar:

ClinVar aggregate classification (germline): Uncertain significance. Review status: criteria provided, multiple submitters, no conflicts (2 of 4 stars). 2 submissions from 2 submitters: Uncertain significance (2). Last evaluated 2024-06-14.

Conditions:
Xanthinuria type II. Also called: Xanthine dehydrogenase and aldehyde oxidase combined deficiency of; XDH and AOX dual deficiency. Identifiers: Orphanet 3467, Orphanet 93602, MedGen C1863688, MONDO:0011346, OMIM 603592.
Hereditary xanthinuria type 1 (XAN1). Identifiers: Orphanet 3467, Orphanet 93601, MedGen C0268118, MONDO:0010209, OMIM 278300.

gnomAD v4.1: 37 of 1,614,196 alleles (0.0023%); highest among the groups gnomAD compares: African/African-American, 0.048%; no homozygotes.

Submissions (2):

Fulgent Genetics
Classification: Uncertain significance for Hereditary xanthinuria type 1. Last evaluated: 2024-06-14. Review status: criteria provided, single submitter. Criteria: ACMG Guidelines, 2015. Collection method: clinical testing. Allele origin: germline.

Labcorp Genetics (formerly Invitae), Labcorp
Classification: Uncertain significance for Xanthinuria type II. Last evaluated: 2024-05-10. Review status: criteria provided, single submitter. Criteria: Invitae Variant Classification Sherloc (09022015). Collection method: clinical testing. Allele origin: germline.
Comment: This sequence change replaces lysine, which is basic and polar, with asparagine, which is neutral and polar, at codon 617 of the XDH protein (p.Lys617Asn). This variant is present in population databases (rs45442398, gnomAD 0.06%). This variant has not been reported in the literature in individuals affected with XDH-related conditions. An algorithm developed to predict the effect of missense changes on protein structure and function (PolyPhen-2) suggests that this variant¬†is likely to be tolerated. Experimental studies have shown that this missense change does not substantially affect XDH function (PMID: 18300946). In summary, the available evidence is currently insufficient to determine the role of this variant in disease. Therefore, it has been classified as a Variant of Uncertain Significance.

Literature cited by the submitters: PubMed 18300946 (cited by Labcorp Genetics (formerly Invitae), Labcorp).

NM_000379.4(XDH):c.1851G>T (p.Lys617Asn)

Gene: XDH (xanthine dehydrogenase; minus strand). Cytogenetic location: 2p23.1.
Variant type: single nucleotide variant.
Coding change: c.1851G>T on transcript NM_000379.4 (MANE Select); coding-DNA position 1851, G replaced by T.
Protein change: p.Lys617Asn; replaces lysine 617 with asparagine.
Molecular consequence: missense variant.
Genome position (GRCh38, 1-based): chr2:31,372,233, C>A on the plus strand (G>T on the coding strand, the complement: XDH is on the minus strand). VCF-style: chr2-31372233-C-A. GRCh37 (hg19) VCF-style: chr2-31595099-C-A.
Other names: short protein forms K617N.
Identifiers: ClinVar variation 3586486 (VCV003586486.2).
Genomic context (GRCh38, chr2:31,372,233, plus strand): 5'-CTCCCAGTGGCCCCCTCACAGCATTCCACCAGCTCCTCCTGGCGGTGTCACTCACTTGAT[C>A]TTGGCGTGGGCCCGGGTGCTGGTGACCAGCCGGAGAGACAGCTCATTCTCGTAGCGAGGA-3'
Protein context (NP_000370.2, residues 607-627): RLVTSTRAHA[Lys617Asn]IKSIDTSEAK